The following is an entry in ClinVar:

NM_052947.4(ALPK2):c.4140A>G (p.Gln1380=)

Genes: ALPK2 (alpha kinase 2; minus strand), LOC126862764 (BRD4-independent group 4 enhancer GRCh37_chr18:56202574-56203773; plus strand). Cytogenetic location: 18q21.31.
Variant type: single nucleotide variant.
Coding change: c.4140A>G on transcript NM_052947.4 (MANE Select); coding-DNA position 4140, A replaced by G.
Protein change: p.Gln1380=; no amino-acid change (glutamine 1380 retained).
Molecular consequence: synonymous variant.
Genome position (GRCh38, 1-based): chr18:58,536,047, T>C on the plus strand (A>G on the coding strand, the complement: ALPK2 is on the minus strand). VCF-style: chr18-58536047-T-C. GRCh37 (hg19) VCF-style: chr18-56203279-T-C.
Identifiers: ClinVar variation 1738159 (VCV001738159.4), dbSNP rs36075387, ClinGen allele CA8976765.
Genomic context (GRCh38, chr18:58,536,047, plus strand): 5'-CTCTAGGATTTTAGGGCAGGTCAGAAACTTTTTAAAGAAGGCAGTGTGATCCATCTTGAG[T>C]TGTTTTTCCTCCTGGTCTTGACTCACATTGTTAACATTTTCCTTCCCTCCAGTTTCAGAA-3'
Protein context (NP_443179.3, residues 1370-1390): NNVSQDQEEK[Gln1380=]LKMDHTAFFK

ClinVar aggregate classification (germline): Likely benign. Review status: criteria provided, single submitter (1 of 4 stars). 2 submissions from 2 submitters: Likely benign (1). 1 of the submissions does not count toward it. Last evaluated 2022-02-12.

Conditions:
ALPK2-related disorder. Also called: ALPK2-related condition.

Allele frequency attached by ClinVar (database versions not stated): 1000 Genomes Project 30x 0.00031; 1000 Genomes Project 0.00040; TOPMed 0.00110; gnomAD 0.00133; ExAC 0.00151; ESP Exome Variant Server 0.00154; gnomAD exomes 0.00173.

Submissions (2):

Ambry Genetics
Classification: Likely benign. Last evaluated: 2022-02-12. Review status: criteria provided, single submitter. Criteria: Ambry Variant Classification Scheme 2023. Collection method: clinical testing. Allele origin: germline.

PreventionGenetics, part of Exact Sciences
Classification: Likely benign for ALPK2-related condition. Last evaluated: 2019-02-26. Review status: no assertion criteria provided. Collection method: clinical testing. Allele origin: germline. Not counted in ClinVar's aggregate classification.
Comment: This variant is classified as likely benign based on ACMG/AMP sequence variant interpretation guidelines (Richards et al. 2015 PMID: 25741868, with internal and published modifications).